The following is an entry in ClinVar:

ClinVar aggregate classification (germline): Conflicting classifications of pathogenicity. Review status: criteria provided, conflicting classifications (1 of 4 stars). 4 submissions from 4 submitters: Uncertain significance (3); Likely benign (1). Last evaluated 2025-12-17.

Conditions:
Hereditary cancer-predisposing syndrome. Also called: Neoplastic Syndromes, Hereditary; Tumor predisposition; Hereditary Cancer Syndrome; Hereditary neoplastic syndrome. Identifiers: Orphanet 140162, MedGen C0027672, MeSH D009386, MONDO:0015356.
BAP1-related tumor predisposition syndrome (TPDS1). Also called: BAP1 tumor predisposition syndrome; Tumor susceptibility linked to germline BAP1 mutations; TUMOR PREDISPOSITION SYNDROME 1; COMMON Syndrome. Identifiers: Orphanet 289539, MedGen C3280492, MONDO:0013692, OMIM 614327.

Allele frequency attached by ClinVar (database versions not stated): gnomAD exomes below 0.00001 and 0.00001; ExAC 0.00001; TOPMed 0.00002; gnomAD 0.00003.
gnomAD v4.1: 10 of 1,614,000 alleles (0.00062%); highest among the groups gnomAD compares: African/African-American, 0.0053%; no homozygotes.

Submissions (4):

Labcorp Genetics (formerly Invitae), Labcorp
Classification: Uncertain significance for BAP1-related tumor predisposition syndrome. Last evaluated: 2025-12-17. Review status: criteria provided, single submitter. Criteria: Invitae Variant Classification Sherloc (09022015). Collection method: clinical testing. Allele origin: germline.
Comment: This sequence change replaces proline, which is neutral and non-polar, with leucine, which is neutral and non-polar, at codon 358 of the BAP1 protein (p.Pro358Leu). This variant is present in population databases (rs773379358, gnomAD 0.01%). This variant has not been reported in the literature in individuals affected with BAP1-related conditions. ClinVar contains an entry for this variant (Variation ID: 412420). Invitae Evidence Modeling of protein sequence and biophysical properties (such as structural, functional, and spatial information, amino acid conservation, physicochemical variation, residue mobility, and thermodynamic stability) indicates that this missense variant is not expected to disrupt BAP1 protein function with a negative predictive value of 80%. In summary, the available evidence is currently insufficient to determine the role of this variant in disease. Therefore, it has been classified as a Variant of Uncertain Significance.

Color Diagnostics, LLC DBA Color Health
Classification: Uncertain significance for Hereditary cancer-predisposing syndrome. Last evaluated: 2024-11-26. Review status: criteria provided, single submitter. Criteria: ACMG Guidelines, 2015. Collection method: clinical testing. Allele origin: germline.
Comment: This missense variant replaces proline with leucine at codon 358 of the BAP1 protein. Computational prediction is inconclusive regarding the impact of this variant on protein structure and function. To our knowledge, functional studies have not been reported for this variant. This variant has not been reported in individuals affected with BAP1-related disorders in the literature. This variant has been identified in 3/282732 chromosomes in the general population by the Genome Aggregation Database (gnomAD). The available evidence is insufficient to determine the role of this variant in disease conclusively. Therefore, this variant is classified as a Variant of Uncertain Significance.

Ambry Genetics
Classification: Likely benign for Hereditary cancer-predisposing syndrome. Last evaluated: 2024-08-07. Review status: criteria provided, single submitter. Criteria: Ambry Variant Classification Scheme 2023. Collection method: clinical testing. Allele origin: germline.

Baylor Genetics
Classification: Uncertain significance for BAP1-related tumor predisposition syndrome. Last evaluated: 2023-10-11. Review status: criteria provided, single submitter. Criteria: ACMG Guidelines, 2015. Collection method: clinical testing. Allele origin: unknown.

NM_004656.4(BAP1):c.1073C>T (p.Pro358Leu)

Gene: BAP1 (BRCA1 associated deubiquitinase 1; minus strand). Cytogenetic location: 3p21.1.
Variant type: single nucleotide variant.
Coding change: c.1073C>T on transcript NM_004656.4 (MANE Select); coding-DNA position 1073, C replaced by T.
Protein change: p.Pro358Leu; replaces proline 358 with leucine.
Molecular consequence: missense variant.
Genome position (GRCh38, 1-based): chr3:52,405,153, G>A on the plus strand (C>T on the coding strand, the complement: BAP1 is on the minus strand). VCF-style: chr3-52405153-G-A. GRCh37 (hg19) VCF-style: chr3-52439169-G-A.
Other names: short protein forms P358L.
Identifiers: ClinVar variation 412420 (VCV000412420.17), dbSNP rs773379358, ClinGen allele CA2436929.